The following is an entry in ClinVar:

ClinVar aggregate classification (germline): Likely pathogenic (1 of 4 stars; one submission).

Conditions:
Polycystic kidney disease 3 with or without polycystic liver disease. Also called: POLYCYSTIC KIDNEY DISEASE, ADULT, TYPE III; Polycystic kidney disease 3; Polycystic Kidney and/or Polycystic Liver Disease 3. Identifiers: MedGen C3887964, MONDO:0010916, OMIM 600666.

Submission:

Illumina Laboratory Services, Illumina
Classification: Likely pathogenic for Polycystic kidney disease 3 with or without polycystic liver disease. Last evaluated: 2023-12-13. Review status: criteria provided, single submitter. Criteria: ICSLVariantClassificationCriteria RUGD 01 April 2020. Collection method: clinical testing. Allele origin: unknown.
Comment: The GANAB c.2393G>A p.(Trp798Ter) nonsense variant results in the loss of normal protein function through either protein truncation or nonsense-mediated mRNA decay. This variant is not observed in version 2.1.1 or version 4.0.0 of the Genome Aggregation Database. Based on the available evidence, the c.2393G>A p.(Trp798Ter) variant is classified as likely pathogenic for polycystic kidney disease with or without polycystic liver disease.

NM_198334.3(GANAB):c.2327G>A (p.Trp776Ter)

Gene: GANAB (glucosidase II alpha subunit; minus strand). Cytogenetic location: 11q12.3.
Variant type: single nucleotide variant.
Coding change: c.2327G>A on transcript NM_198334.3 (MANE Select); coding-DNA position 2327, G replaced by A.
Protein change: p.Trp776Ter; replaces tryptophan 776 with a stop codon.
Molecular consequence: nonsense.
Genome position (GRCh38, 1-based): chr11:62,626,930, C>T on the plus strand (G>A on the coding strand, the complement: GANAB is on the minus strand). VCF-style: chr11-62626930-C-T. GRCh37 (hg19) VCF-style: chr11-62394402-C-T.
Other names: c.2036G>A, p.Trp679Ter (NM_001329222.2, NM_001329223.2, NM_001278194.2); c.1604G>A, p.Trp535Ter (NM_001329224.2, NM_001329225.2); c.2393G>A, p.Trp798Ter (NM_198335.4); c.2051G>A, p.Trp684Ter (NM_001278192.2); c.1985G>A, p.Trp662Ter (NM_001278193.2); short protein forms W535*, W662*, W679*, W684*, W776*, W798*.
Identifiers: ClinVar variation 3893238 (VCV003893238.1).